The following is an entry in ClinVar:

NM_017951.5(SMPD4):c.2242_2260del (p.Ser748fs)

Gene: SMPD4 (sphingomyelin phosphodiesterase 4; minus strand). Cytogenetic location: 2q21.1.
Variant type: Deletion.
Coding change: c.2242_2260del on transcript NM_017951.5 (MANE Select); coding-DNA positions 2242 to 2260, 19 bases deleted (AGCAGGCACCTGCTGAGCC).
Protein change: p.Ser748fs; shifts the reading frame from serine 748.
Molecular consequence: frameshift variant. On other transcripts: non-coding transcript variant (2).
Genome position (GRCh38, 1-based): chr2:130,152,779-130,152,797, GGCTCAGCAGGTGCCTGCT deleted on the plus strand (AGCAGGCACCTGCTGAGCC on the coding strand, the reverse complement: SMPD4 is on the minus strand); deleting any 19 consecutive bases within chr2:130,152,779-130,152,800 gives the same sequence; the c. name uses the placement nearest the transcript's 3' end. VCF-style (leftmost placement, unchanged base first): chr2-130152778-GGGCTCAGCAGGTGCCTGCT-G. GRCh37 (hg19) VCF-style: chr2-130910351-GGGCTCAGCAGGTGCCTGCT-G.
Other names: c.2053_2071del, p.Ser685fs (NM_001171083.2); c.2272_2290del, p.Ser758fs (NM_017751.4); short protein forms S685fs, S748fs, S758fs.
Identifiers: ClinVar variation 3062305 (VCV003062305.1), dbSNP rs2467139048, ClinGen allele CA2740095690.

ClinVar aggregate classification (germline): Likely pathogenic (1 of 4 stars; one submission).

Conditions:
Neurodevelopmental disorder with microcephaly, arthrogryposis, and structural brain anomalies. Identifiers: Orphanet 664923, MedGen C5231431, MONDO:0032838, OMIM 618622.

Submission:

Molecular Genetics Department, Kulakov National Medical Research Center for Obstetrics, Gynecology and Perinatology
Classification: Likely pathogenic for Neurodevelopmental disorder with microcephaly, arthrogryposis, and structural brain anomalies. Review status: criteria provided, single submitter. Criteria: ACMG Guidelines, 2015. Collection method: clinical testing. Allele origin: paternal. Affected: yes.
Comment: A previously undescribed nucleotide variant creates a frameshift p.Ser787LeufsTer62 in the SMPD4 gene. Homozygous and compound heterozygous variants are reported in patients with Neurodevelopmental disorder with microcephaly, arthrogryposis, and structural brain anomalies, 618622. The variant is not present in population database (gnomAD no frequency). In summary, the currently available evidence indicates that the variant is pathogenic, but additional data are needed to prove that conclusively. Therefore, this variant has been classified as likely pathogenic.